The following is an entry in ClinVar:

ClinVar aggregate classification (germline): Pathogenic/Likely pathogenic. Review status: criteria provided, multiple submitters, no conflicts (2 of 4 stars). 8 submissions from 8 submitters: Pathogenic (4); Likely pathogenic (2). 2 of the submissions do not count toward it. Last evaluated 2026-06-01.

Conditions:
Hereditary nonpolyposis colon cancer (HNPCC). Also called: Hereditary Nonpolyposis Colorectal Cancer Syndrome; Hereditary nonpolyposis colorectal cancer; Familial nonpolyposis colon cancer. Identifiers: Orphanet 443909, MedGen C1333990, MONDO:0018630. Disease mechanism: loss of function.
Hereditary nonpolyposis colorectal neoplasms. Identifiers: MedGen C0009405, MeSH D003123.
Inherited MMR deficiency (Lynch syndrome).
Lynch-like syndrome.
Hereditary cancer-predisposing syndrome. Also called: Tumor predisposition; Neoplastic Syndromes, Hereditary; Hereditary Cancer Syndrome; Hereditary neoplastic syndrome. Identifiers: Orphanet 140162, MedGen C0027672, MeSH D009386, MONDO:0015356.
Lynch syndrome 5 (LYNCH5). Also called: Colorectal cancer, hereditary nonpolyposis, type 5; Hereditary non-polyposis colorectal cancer, type 5. Identifiers: Orphanet 144, MedGen C1833477, MONDO:0013710, OMIM 614350. Disease mechanism: loss of function.
Endometrial carcinoma. Also called: Endometrial carcinoma, somatic. Identifiers: MedGen C0476089, MONDO:0002447, OMIM 608089, HP:0012114.

Submissions (8):

Genomics and Molecular Medicine Service, East Genomic Laboratory Hub, NHS Genomic Medicine Service
Classification: Pathogenic for Inherited MMR deficiency (Lynch syndrome). Last evaluated: 2026-06-01. Review status: criteria provided, single submitter. Criteria: ACGS Best Practice Guidelines for Variant Classification in Rare Disease 2020. Collection method: clinical testing. Allele origin: germline. Affected: yes.
Comment: PVS1,PM2_Supporting,PM5_Supporting,PP4

Labcorp Genetics (formerly Invitae), Labcorp
Classification: Pathogenic for Hereditary nonpolyposis colorectal neoplasms. Last evaluated: 2025-10-13. Review status: criteria provided, single submitter. Criteria: Invitae Variant Classification Sherloc (09022015). Collection method: clinical testing. Allele origin: germline.
Comment: This sequence change creates a premature translational stop signal (p.Lys1140Glnfs*24) in the MSH6 gene. It is expected to result in an absent or disrupted protein product. Loss-of-function variants in MSH6 are known to be pathogenic (PMID: 18269114, 24362816). This variant is not present in population databases (gnomAD no frequency). This premature translational stop signal has been observed in individual(s) with hereditary cancer (PMID: 28514183). Invitae Evidence Modeling of clinical and family history, age, sex, and reported ancestry of multiple individuals with this MSH6 variant has been performed. This variant is expected to be pathogenic with a positive predictive value of at least 99%. This is a validated machine learning model that incorporates the clinical features of 1,627,235 individuals referred to our laboratory for MSH6 testing. ClinVar contains an entry for this variant (Variation ID: 183742). For these reasons, this variant has been classified as Pathogenic.

Ambry Genetics
Classification: Pathogenic for Hereditary cancer-predisposing syndrome. Last evaluated: 2025-05-16. Review status: criteria provided, single submitter. Criteria: Ambry Variant Classification Scheme 2023. Collection method: clinical testing. Allele origin: germline.
Comment: The c.3416dupG pathogenic mutation, located in coding exon 5 of the MSH6 gene, results from a duplication of G at nucleotide position 3416, causing a translational frameshift with a predicted alternate stop codon (p.K1140Qfs*24). This variant has been identified in a individual undergoing multi-gene panel testing for a personal and/or family history of cancer (Espenschied CR et al. J Clin Oncol, 2017 Aug;35:2568-2575). Additionally, this variant was identified in an individual diagnosed with ovarian cancer (Kim SR et al. Cancer, 2020 11;126:4886-4894). This variant was also reported in 1/60,466 breast cancer cases and in 0/53,461 controls (Dorling et al. N Engl J Med. 2021 02;384:428-439). This variant is considered to be rare based on population cohorts in the Genome Aggregation Database (gnomAD). In addition to the clinical data presented in the literature, this alteration is expected to result in loss of function by premature protein truncation or nonsense-mediated mRNA decay. As such, this alteration is interpreted as a disease-causing mutation.

Myriad Genetics, Inc.
Classification: Pathogenic for Lynch syndrome 5. Last evaluated: 2023-08-23. Review status: criteria provided, single submitter. Criteria: Myriad Autosomal Dominant, Autosomal Recessive and X-Linked Classification Criteria (2023). Collection method: clinical testing. Allele origin: unknown.
Comment: This variant is considered pathogenic. This variant creates a frameshift predicted to result in premature protein truncation.

Revvity Omics, Revvity
Classification: Likely pathogenic. Last evaluated: 2022-02-10. Review status: criteria provided, single submitter. Criteria: ACMG Guidelines, 2015. Collection method: clinical testing. Allele origin: germline.

Women's Health and Genetics/Laboratory Corporation of America, LabCorp
Classification: Likely pathogenic for Lynch syndrome. Last evaluated: 2019-06-25. Review status: criteria provided, single submitter. Criteria: LabCorp Variant Classification Summary - May 2015. Collection method: clinical testing. Allele origin: germline.
Comment: Variant summary: MSH6 c.3416dupG (p.Lys1140GlnfsX24) results in a premature termination codon, predicted to cause a truncation of the encoded protein or absence of the protein due to nonsense mediated decay, which are commonly known mechanisms for disease. Truncations downstream of this position have been classified as pathogenic by our laboratory. The variant was absent in 251346 control chromosomes (gnomAD). To our knowledge, no occurrence of c.3416dupG in individuals affected with Hereditary Non-Polyposis Colon Cancer and no experimental evidence demonstrating its impact on protein function have been reported. A ClinVar submission from a clinical diagnostic laboratories (evaluation after 2014) cite the variant as pathogenic. Based on the evidence outlined above, the variant was classified as likely pathogenic.

Constitutional Genetics Lab, Leon Berard Cancer Center
Classification: Pathogenic for Lynch-like syndrome. Last evaluated: 2019-07-01. Review status: no assertion criteria provided. Collection method: clinical testing. Allele origin: somatic. Affected: yes. Not counted in ClinVar's aggregate classification.

Department of Pathology and Laboratory Medicine, Sinai Health System
Classification: Pathogenic for Endometrial carcinoma. Review status: no assertion criteria provided. Collection method: clinical testing. Allele origin: unknown. Affected: yes. Study: The Canadian Open Genetics Repository (COGR). Not counted in ClinVar's aggregate classification.
Comment: The MSH6 p.Lys1140Glnfs*24 variant was not identified in the literature nor was it identified in the COGR, Cosmic, Zhejiang University Database, Mismatch Repair Genes Variant Database, or Insight Hereditary Tumors databases. The variant was identified in dbSNP (ID: rs786201052) as "With Pathogenic allele", and in ClinVar database (classified as pathogenic by Ambry Genetics). The variant was not identified in the following control databases: the Exome Aggregation Consortium (August 8th 2016), or the Genome Aggregation Database (Feb 27, 2017). The c.3416dup variant is predicted to cause a frameshift, which alters the protein's amino acid sequence beginning at codon 1140 and leads to a premature stop codon at position 1163. This alteration is then predicted to result in a truncated or absent protein and loss of function. Loss of function variants of the MSH6 gene are an established mechanism of disease in Lynch syndrome and is the type of variant expected to cause the disorder. In summary, based on the above information this variant meets our laboratoryâ€šÃ„Ã´s criteria to be classified as pathogenic.

Literature cited by the submitters: PubMed 18269114 (cited by Labcorp Genetics (formerly Invitae), Labcorp); PubMed 24362816 (cited by Labcorp Genetics (formerly Invitae), Labcorp); PubMed 28514183 (cited by Labcorp Genetics (formerly Invitae), Labcorp and Ambry Genetics); PubMed 32809219 (cited by Ambry Genetics); PubMed 33471991 (cited by Ambry Genetics).

NM_000179.3(MSH6):c.3416dup (p.Lys1140fs)

Gene: MSH6 (mutS homolog 6; plus strand). Cytogenetic location: 2p16.3.
Variant type: Duplication.
Coding change: c.3416dup on transcript NM_000179.3 (MANE Select); coding-DNA position 3416, one base duplicated (G; older notation c.3416dupG).
Protein change: p.Lys1140fs; shifts the reading frame from lysine 1140.
Molecular consequence: frameshift variant.
Genome position (GRCh38, 1-based): chr2:47,803,663, G duplicated; the last of 6 consecutive G bases (chr2:47,803,658-47,803,663); duplicating any one gives the same sequence. VCF-style (leftmost placement, unchanged base first): chr2-47803657-T-TG. GRCh37 (hg19) VCF-style: chr2-48030796-T-TG.
Other names: c.3026dup, p.Lys1010fs (NM_001281492.2); c.2510dup, p.Lys838fs (NM_001281493.2, NM_001281494.2); c.3416dupG (NM_000179.2); short protein forms K1140fs, K838fs, K1010fs.
Identifiers: ClinVar variation 183742 (VCV000183742.21), dbSNP rs587781544, ClinGen allele CA186291.